The following is an entry in ClinVar:

ClinVar aggregate classification (germline): drug response. Review status: criteria provided, single submitter (1 of 4 stars). 3 submissions from 2 submitters: drug response (1). 2 of the submissions do not count toward it. Last evaluated 2012-06-01.

Conditions:
Non-small cell lung carcinoma (NSCLC). Also called: Non-small cell lung cancer. Identifiers: MedGen C0007131, MeSH D002289, MONDO:0005233, HP:0030358. Disease mechanism: Other.
Tyrosine kinase inhibitor response. Also called: Protein-tyrosine kinase inhibitor response. Identifiers: MedGen CN225347.
Lung adenocarcinoma. Also called: Adenocarcinoma of lung; Adenocarcinoma of lung, somatic. Identifiers: MedGen C0152013, MeSH D000077192, MONDO:0005061, HP:0030078.

Submissions (3):

Laboratory for Molecular Medicine, Mass General Brigham Personalized Medicine
Classification: drug response for Tyrosine kinase inhibitor response. Last evaluated: 2012-06-01. Review status: criteria provided, single submitter. Criteria: LMM Criteria. Collection method: clinical testing. Allele origin: somatic. Observed: 6 variant alleles.
Comment: Ser768_Asp770dup has been reported in the literature in at least four individuals that have been treated with an EGFR tyrosine kinase inhibitor (gefitinib; Wu 2008). Three of these individuals exhibited progressive disease and one individual exhibited partial response as the maximal response. Insertions in exon 20 of EGFR such as this have been associated with resistance to EGFR tyrosine kinase inhibitors in vitro (Greulich 2005).

Laboratory for Molecular Medicine, Mass General Brigham Personalized Medicine
Classification: Likely pathogenic for Non-Small Cell Lung Cancer. Last evaluated: 2006-10-28. Review status: no assertion criteria provided. Collection method: clinical testing. Allele origin: somatic. Observed: 6 variant alleles. Not counted in ClinVar's aggregate classification.

Key Laboratory of Carcinogenesis and Cancer Invasion, Central South University
Classification: Likely pathogenic for Adenocarcinoma of lung. Review status: no assertion criteria provided. Collection method: clinical testing. Allele origin: somatic. Affected: yes. Not counted in ClinVar's aggregate classification.

Literature cited by the submitters: PubMed 16187797 (cited by Laboratory for Molecular Medicine, Mass General Brigham Personalized Medicine).

NM_005228.5(EGFR):c.2303_2311dup (p.Ser768_Asp770dup)

Genes: EGFR (epidermal growth factor receptor; plus strand), EGFR-AS1 (EGFR antisense RNA 1; minus strand). Cytogenetic location: 7p11.2.
Variant type: Duplication.
Coding change: c.2303_2311dup on transcript NM_005228.5 (MANE Select); coding-DNA positions 2303 to 2311, 9 bases duplicated (GCGTGGACA; older notation c.2303_2311dupGCGTGGACA).
Protein change: p.Ser768_Asp770dup.
Molecular consequence: inframe insertion. On other transcripts: non-coding transcript variant (1).
Genome position (GRCh38, 1-based): chr7:55,181,312-55,181,320, GCGTGGACA duplicated; duplicating any 9 consecutive bases within chr7:55,181,310-55,181,320 gives the same sequence; the c. name uses the placement nearest the transcript's 3' end. VCF-style (leftmost placement, unchanged base first): chr7-55181309-C-CCAGCGTGGA. GRCh37 (hg19) VCF-style: chr7-55249002-C-CCAGCGTGGA.
Other names: NC_000007.13:g.55249013_55249014insGCGTGGACA; p.Ser768_Asp770dup; NC_000007.13:g.55249011_55249012insCAGCGTGGA; c.2168_2176dup, p.Ser723_Asp725dup (NM_001346897.2, NM_001346899.2); c.2303_2311dup, p.Ser768_Asp770dup (NM_001346898.2); c.2144_2152dup, p.Ser715_Asp717dup (NM_001346900.2); c.1502_1510dup, p.Ser501_Asp503dup (NM_001346941.2); c.2301_2309dupCAGCGTGGA (NM_005228.3).
Identifiers: ClinVar variation 45253 (VCV000045253.9), dbSNP rs397517109, ClinGen allele CA135844.